The following is an entry in ClinVar:

ClinVar aggregate classification (germline): Uncertain significance (1 of 4 stars; one submission).

gnomAD v4.1: 1 of 1,614,016 alleles (0.000062%); highest among the groups gnomAD compares: South Asian, 0.0011%; no homozygotes.

Submission:

GeneDx
Classification: Uncertain significance. Last evaluated: 2024-05-06. Review status: criteria provided, single submitter. Criteria: GeneDx Variant Classification Process June 2021. Collection method: clinical testing. Allele origin: germline. Affected: yes.
Comment: Not observed at significant frequency in large population cohorts (gnomAD); Has not been previously published as pathogenic or benign to our knowledge; In silico analysis suggests this variant may impact gene splicing. In the absence of RNA/functional studies, the actual effect of this sequence change is unknown.

NM_001130823.3(DNMT1):c.3603A>G (p.Thr1201=)

Gene: DNMT1 (DNA methyltransferase 1; minus strand). Cytogenetic location: 19p13.2.
Variant type: single nucleotide variant.
Coding change: c.3603A>G on transcript NM_001130823.3 (MANE Select); coding-DNA position 3603, A replaced by G.
Protein change: p.Thr1201=; no amino-acid change (threonine 1201 retained).
Molecular consequence: synonymous variant.
Genome position (GRCh38, 1-based): chr19:10,140,249, T>C on the plus strand (A>G on the coding strand, the complement: DNMT1 is on the minus strand). VCF-style: chr19-10140249-T-C. GRCh37 (hg19) VCF-style: chr19-10250925-T-C.
Other names: c.3555A>G, p.Thr1185= (NM_001318730.2, NM_001379.4); c.3240A>G, p.Thr1080= (NM_001318731.2).
Identifiers: ClinVar variation 3375929 (VCV003375929.1).